The following is an entry in ClinVar:

ClinVar aggregate classification (germline): Uncertain significance (1 of 4 stars; one submission).

Conditions:
Joubert syndrome 21 (JBTS21). Identifiers: MedGen C3810212, MONDO:0014288, OMIM 615636.

Allele frequency attached by ClinVar (database versions not stated): TOPMed below 0.00001.
gnomAD v4.1: 1 of 1,613,940 alleles (0.000062%); no homozygotes.

Submission:

Labcorp Genetics (formerly Invitae), Labcorp
Classification: Uncertain significance for Joubert syndrome 21. Last evaluated: 2023-12-18. Review status: criteria provided, single submitter. Criteria: Invitae Variant Classification Sherloc (09022015). Collection method: clinical testing. Allele origin: germline.
Comment: This sequence change replaces aspartic acid, which is acidic and polar, with glycine, which is neutral and non-polar, at codon 16 of the CSPP1 protein (p.Asp16Gly). This variant is not present in population databases (gnomAD no frequency). This variant has not been reported in the literature in individuals affected with CSPP1-related conditions. ClinVar contains an entry for this variant (Variation ID: 2129449). Algorithms developed to predict the effect of missense changes on protein structure and function output the following: SIFT: "Not Available"; PolyPhen-2: "Benign"; Align-GVGD: "Not Available". The glycine amino acid residue is found in multiple mammalian species, which suggests that this missense change does not adversely affect protein function. In summary, the available evidence is currently insufficient to determine the role of this variant in disease. Therefore, it has been classified as a Variant of Uncertain Significance.

NM_001382391.1(CSPP1):c.-104A>G

Gene: CSPP1 (centrosome and spindle pole associated protein 1; plus strand). Cytogenetic location: 8q13.1.
Variant type: single nucleotide variant.
Coding change: c.-104A>G on transcript NM_001382391.1 (MANE Select); 104 bases upstream of the start codon, A replaced by G.
Molecular consequence: 5 prime UTR variant. On other transcripts: missense variant (3).
Genome position (GRCh38, 1-based): chr8:67,064,445, A>G. VCF-style: chr8-67064445-A-G. GRCh37 (hg19) VCF-style: chr8-67976680-A-G.
Other names: c.-104A>G (NM_001363131.2, NM_001363132.2, NM_001363133.2); c.47A>G, p.Asp16Gly (NM_001364869.1, NM_001364870.1, NM_024790.7); short protein forms D16G.
Identifiers: ClinVar variation 2129449 (VCV002129449.4), dbSNP rs1805077545, ClinGen allele CA371208545.